The following is an entry in ClinVar:

ClinVar aggregate classification (germline): Uncertain significance (1 of 4 stars; one submission).

Submission:

Labcorp Genetics (formerly Invitae), Labcorp
Classification: Uncertain significance. Last evaluated: 2025-12-29. Review status: criteria provided, single submitter. Criteria: Invitae Variant Classification Sherloc (09022015). Collection method: clinical testing. Allele origin: germline.
Comment: This sequence change replaces valine, which is neutral and non-polar, with methionine, which is neutral and non-polar, at codon 1064 of the ANK1 protein (p.Val1064Met). This variant is present in population databases (no rsID available, gnomAD 0.01%). This variant has not been reported in the literature in individuals affected with ANK1-related conditions. Invitae Evidence Modeling of protein sequence and biophysical properties (such as structural, functional, and spatial information, amino acid conservation, physicochemical variation, residue mobility, and thermodynamic stability) has been performed for this missense variant. However, the output from this modeling did not meet the statistical confidence thresholds required to predict the impact of this variant on ANK1 protein function. In summary, the available evidence is currently insufficient to determine the role of this variant in disease. Therefore, it has been classified as a Variant of Uncertain Significance.

NM_000037.4(ANK1):c.3190G>A (p.Val1064Met)

Gene: ANK1 (ankyrin 1; minus strand). Cytogenetic location: 8p11.21.
Variant type: single nucleotide variant.
Coding change: c.3190G>A on transcript NM_000037.4 (MANE Select); coding-DNA position 3190, G replaced by A.
Protein change: p.Val1064Met; replaces valine 1064 with methionine.
Molecular consequence: missense variant.
Genome position (GRCh38, 1-based): chr8:41,694,729, C>T on the plus strand (G>A on the coding strand, the complement: ANK1 is on the minus strand). VCF-style: chr8-41694729-C-T. GRCh37 (hg19) VCF-style: chr8-41552247-C-T.
Other names: c.3313G>A, p.Val1105Met (NM_001142446.2); c.3190G>A, p.Val1064Met (NM_020475.3, NM_020476.3, NM_020477.3); short protein forms V1064M, V1105M.
Identifiers: ClinVar variation 4754923 (VCV004754923.1).
Genomic context (GRCh38, chr8:41,694,729, plus strand): 5'-TCAGGGAGCCCCCTTCGGGACCGATGGTGTCGTAGTCCTGGCAGAGCCGTGACATGATCA[C>T]GAAGTACAGCGGGAAGTCGGTGGTGATGATTCGGCACACCCTCTTCTTCTCTAGCTCCTC-3'
Protein context (NP_000028.3, residues 1054-1074): IITTDFPLYF[Val1064Met]IMSRLCQDYD